The following is an entry in ClinVar:

NM_198576.4(AGRN):c.1351C>T (p.Arg451Cys)

Gene: AGRN (agrin; plus strand). Cytogenetic location: 1p36.33.
Variant type: single nucleotide variant.
Coding change: c.1351C>T on transcript NM_198576.4 (MANE Select); coding-DNA position 1351, C replaced by T.
Protein change: p.Arg451Cys; replaces arginine 451 with cysteine.
Molecular consequence: missense variant.
Genome position (GRCh38, 1-based): chr1:1,042,129, C>T. VCF-style: chr1-1042129-C-T. GRCh37 (hg19) VCF-style: chr1-977509-C-T.
Other names: c.1351C>T, p.Arg451Cys (NM_001305275.2); c.1036C>T, p.Arg346Cys (NM_001364727.2); short protein forms R346C, R451C.
Identifiers: ClinVar variation 1383690 (VCV001383690.6), dbSNP rs974149667, ClinGen allele CA337828664.

ClinVar aggregate classification (germline): Uncertain significance (1 of 4 stars; one submission).

Conditions:
Congenital myasthenic syndrome 8. Also called: MYASTHENIC SYNDROME, CONGENITAL, DUE TO AGRIN DEFICIENCY; Myasthenic syndrome, congenital, 8, with pre- and postsynaptic defects. Identifiers: Orphanet 590, MedGen C3808739, MONDO:0014052, OMIM 615120.

Allele frequency attached by ClinVar (database versions not stated): gnomAD exomes below 0.00001.
gnomAD v4.1: 5 of 1,599,858 alleles (0.00031%); highest among the groups gnomAD compares: Admixed American, 0.0017%; no homozygotes.

Submission:

Labcorp Genetics (formerly Invitae), Labcorp
Classification: Uncertain significance for Congenital myasthenic syndrome 8. Last evaluated: 2022-07-06. Review status: criteria provided, single submitter. Criteria: Invitae Variant Classification Sherloc (09022015). Collection method: clinical testing. Allele origin: germline.
Comment: This variant has not been reported in the literature in individuals affected with AGRN-related conditions. The frequency data for this variant in the population databases is considered unreliable, as metrics indicate poor data quality at this position in the gnomAD database. This sequence change replaces arginine, which is basic and polar, with cysteine, which is neutral and slightly polar, at codon 451 of the AGRN protein (p.Arg451Cys). ClinVar contains an entry for this variant (Variation ID: 1383690). In summary, the available evidence is currently insufficient to determine the role of this variant in disease. Therefore, it has been classified as a Variant of Uncertain Significance. Algorithms developed to predict the effect of missense changes on protein structure and function are either unavailable or do not agree on the potential impact of this missense change (SIFT: "Deleterious"; PolyPhen-2: "Possibly Damaging"; Align-GVGD: "Class C0").